The following is an entry in ClinVar:

ClinVar aggregate classification (germline): Uncertain significance (1 of 4 stars; one submission).

Conditions:
Familial thoracic aortic aneurysm and aortic dissection (TAAD). Also called: Thoracic aortic aneurysms and dissections. Identifiers: Orphanet 91387, MedGen C4707243, MONDO:0019625.

Allele frequency attached by ClinVar (database versions not stated): gnomAD exomes below 0.00001; TOPMed 0.00001.
gnomAD v4.1: 2 of 1,614,068 alleles (0.00012%); highest among the groups gnomAD compares: African/African-American, 0.0027%; no homozygotes.

Submission:

Ambry Genetics
Classification: Uncertain significance for Familial thoracic aortic aneurysm and aortic dissection. Last evaluated: 2023-11-17. Review status: criteria provided, single submitter. Criteria: Ambry Variant Classification Scheme 2023. Collection method: clinical testing. Allele origin: germline.
Comment: The p.G710V variant (also known as c.2129G>T), located in coding exon 19 of the PLOD1 gene, results from a G to T substitution at nucleotide position 2129. The glycine at codon 710 is replaced by valine, an amino acid with dissimilar properties. This amino acid position is conserved. In addition, this alteration is predicted to be deleterious by in silico analysis. Since supporting evidence is limited at this time, the clinical significance of this alteration remains unclear.

NM_000302.4(PLOD1):c.2129G>T (p.Gly710Val)

Gene: PLOD1 (procollagen-lysine,2-oxoglutarate 5-dioxygenase 1; plus strand). Cytogenetic location: 1p36.22.
Variant type: single nucleotide variant.
Coding change: c.2129G>T on transcript NM_000302.4 (MANE Select); coding-DNA position 2129, G replaced by T.
Protein change: p.Gly710Val; replaces glycine 710 with valine.
Molecular consequence: missense variant.
Genome position (GRCh38, 1-based): chr1:11,974,753, G>T. VCF-style: chr1-11974753-G-T. GRCh37 (hg19) VCF-style: chr1-12034810-G-T.
Other names: c.2270G>T, p.Gly757Val (NM_001316320.2); short protein forms G710V, G757V.
Identifiers: ClinVar variation 3231131 (VCV003231131.1), dbSNP rs1001558523, ClinGen allele CA18022246.